The following is an entry in ClinVar:

ClinVar aggregate classification (germline): Uncertain significance (1 of 4 stars; one submission).

Conditions:
GLUT1 deficiency syndrome 1, autosomal recessive. Identifiers: MedGen C3149117.

Submission:

Labcorp Genetics (formerly Invitae), Labcorp
Classification: Uncertain significance for GLUT1 deficiency syndrome 1, autosomal recessive. Last evaluated: 2023-11-18. Review status: criteria provided, single submitter. Criteria: Invitae Variant Classification Sherloc (09022015). Collection method: clinical testing. Allele origin: germline.
Comment: This sequence change replaces tyrosine, which is neutral and polar, with serine, which is neutral and polar, at codon 292 of the SLC2A1 protein (p.Tyr292Ser). This variant is not present in population databases (gnomAD no frequency). This variant has not been reported in the literature in individuals affected with SLC2A1-related conditions. Advanced modeling of protein sequence and biophysical properties (such as structural, functional, and spatial information, amino acid conservation, physicochemical variation, residue mobility, and thermodynamic stability) performed at Invitae indicates that this missense variant is expected to disrupt SLC2A1 protein function with a positive predictive value of 95%. In summary, the available evidence is currently insufficient to determine the role of this variant in disease. Therefore, it has been classified as a Variant of Uncertain Significance.

NM_006516.4(SLC2A1):c.875A>C (p.Tyr292Ser)

Gene: SLC2A1 (solute carrier family 2 member 1; minus strand). Cytogenetic location: 1p34.2.
Variant type: single nucleotide variant.
Coding change: c.875A>C on transcript NM_006516.4 (MANE Select); coding-DNA position 875, A replaced by C.
Protein change: p.Tyr292Ser; replaces tyrosine 292 with serine.
Molecular consequence: missense variant.
Genome position (GRCh38, 1-based): chr1:42,929,307, T>G on the plus strand (A>C on the coding strand, the complement: SLC2A1 is on the minus strand). VCF-style: chr1-42929307-T-G. GRCh37 (hg19) VCF-style: chr1-43394978-T-G.
Other names: short protein forms Y292S.
Identifiers: ClinVar variation 2697106 (VCV002697106.3), dbSNP rs2524990253, ClinGen allele CA339956939.